The following is an entry in ClinVar:

ClinVar aggregate classification (germline): Uncertain significance. Review status: criteria provided, multiple submitters, no conflicts (2 of 4 stars). 2 submissions from 2 submitters: Uncertain significance (2). Last evaluated 2024-09-30.

Conditions:
Inborn genetic diseases. Identifiers: MedGen C0950123, MeSH D030342.

Allele frequency attached by ClinVar (database versions not stated): gnomAD 0.00001; gnomAD exomes 0.00001; TOPMed 0.00001.
gnomAD v4.1: 16 of 1,613,984 alleles (0.00099%); highest among the groups gnomAD compares: Non-Finnish European, 0.0014%; no homozygotes.

Submissions (2):

Ambry Genetics
Classification: Uncertain significance for Inborn genetic diseases. Last evaluated: 2024-09-30. Review status: criteria provided, single submitter. Criteria: Ambry Variant Classification Scheme 2023. Collection method: clinical testing. Allele origin: germline.

Labcorp Genetics (formerly Invitae), Labcorp
Classification: Uncertain significance. Last evaluated: 2024-04-06. Review status: criteria provided, single submitter. Criteria: Invitae Variant Classification Sherloc (09022015). Collection method: clinical testing. Allele origin: germline.
Comment: This sequence change replaces proline, which is neutral and non-polar, with alanine, which is neutral and non-polar, at codon 70 of the FBLN5 protein (p.Pro70Ala). This variant is present in population databases (no rsID available, gnomAD 0.007%). This variant has not been reported in the literature in individuals affected with FBLN5-related conditions. ClinVar contains an entry for this variant (Variation ID: 2149057). An algorithm developed to predict the effect of missense changes on protein structure and function (PolyPhen-2) suggests that this variant is likely to be disruptive. In summary, the available evidence is currently insufficient to determine the role of this variant in disease. Therefore, it has been classified as a Variant of Uncertain Significance.

NM_006329.4(FBLN5):c.208C>G (p.Pro70Ala)

Gene: FBLN5 (fibulin 5; minus strand). Cytogenetic location: 14q32.12.
Variant type: single nucleotide variant.
Coding change: c.208C>G on transcript NM_006329.4 (MANE Select); coding-DNA position 208, C replaced by G.
Protein change: p.Pro70Ala; replaces proline 70 with alanine.
Molecular consequence: missense variant.
Genome position (GRCh38, 1-based): chr14:91,937,118, G>C on the plus strand (C>G on the coding strand, the complement: FBLN5 is on the minus strand). VCF-style: chr14-91937118-G-C. GRCh37 (hg19) VCF-style: chr14-92403462-G-C.
Other names: c.331C>G, p.Pro111Ala (NM_001384158.1); c.259C>G, p.Pro87Ala (NM_001384159.1); c.208C>G, p.Pro70Ala (NM_001384160.1); c.40C>G, p.Pro14Ala (NM_001384161.1, NM_001384162.1); short protein forms P87A, P111A, P14A, P70A.
Identifiers: ClinVar variation 2149057 (VCV002149057.6), dbSNP rs896797257, ClinGen allele CA265607734.